The following is an entry in ClinVar:

ClinVar aggregate classification (germline): Likely benign. Review status: criteria provided, multiple submitters, no conflicts (2 of 4 stars). 2 submissions from 2 submitters: Likely benign (2). Last evaluated 2023-10-05.

Conditions:
Familial sleep-related hypermotor epilepsy. Also called: Autosomal Dominant Sleep-Related Hypermotor (Hyperkinetic) Epilepsy. Identifiers: Orphanet 98784, MedGen C3696898, MONDO:0000030.

Allele frequency attached by ClinVar (database versions not stated): gnomAD exomes below 0.00001 and 0.00001; gnomAD 0.00001; ExAC 0.00002.
gnomAD v4.1: 9 of 1,613,906 alleles (0.00056%); highest among the groups gnomAD compares: Non-Finnish European, 0.00059%; no homozygotes.

Submissions (2):

Women's Health and Genetics/Laboratory Corporation of America, LabCorp
Classification: Likely benign. Last evaluated: 2023-10-05. Review status: criteria provided, single submitter. Criteria: LabCorp Variant Classification Summary - May 2015. Collection method: clinical testing. Allele origin: germline.
Comment: Variant summary: CHRNA2 c.1464+10G>T alters a non-conserved nucleotide located at a position not widely known to affect splicing. Consensus agreement among computation tools predict no significant impact on normal splicing. However, these predictions have yet to be confirmed by functional studies. The variant allele was found at a frequency of 8e-06 in 249804 control chromosomes (gnomAD). The available data on variant occurrences in the general population are insufficient to allow any conclusion about variant significance. To our knowledge, no occurrence of c.1464+10G>T in individuals affected with Autosomal Dominant Nocturnal Frontal Lobe Epilepsy 4 and no experimental evidence demonstrating its impact on protein function have been reported. One submitter has cited a clinical-significance assessment for this variant to ClinVar after 2014 and has classified the variant as likely benign. Based on the evidence outlined above, the variant was classified as likely benign.

Labcorp Genetics (formerly Invitae), Labcorp
Classification: Likely benign. Last evaluated: 2021-02-12. Review status: criteria provided, single submitter. Criteria: Invitae Variant Classification Sherloc (09022015). Collection method: clinical testing. Allele origin: germline.

NM_000742.4(CHRNA2):c.1464+10G>T

Gene: CHRNA2 (cholinergic receptor nicotinic alpha 2 subunit; minus strand). Cytogenetic location: 8p21.2.
Variant type: single nucleotide variant.
Coding change: c.1464+10G>T on transcript NM_000742.4 (MANE Select); 10 bases into the intron after coding-DNA position 1464, G replaced by T.
Molecular consequence: intron variant.
Genome position (GRCh38, 1-based): chr8:27,462,969, C>A on the plus strand (G>T on the coding strand, the complement: CHRNA2 is on the minus strand). VCF-style: chr8-27462969-C-A. GRCh37 (hg19) VCF-style: chr8-27320486-C-A.
Other names: c.987+10G>T (NM_001347705.2, NM_001347706.2); c.1419+10G>T (NM_001282455.2); c.870+10G>T (NM_001347708.2, NM_001347707.2).
Identifiers: ClinVar variation 1133193 (VCV001133193.8), dbSNP rs749942986, ClinGen allele CA4689449.
Genomic context (GRCh38, chr8:27,462,969, plus strand): 5'-TGCGGTAAGGTGGTTCCCCGCTAAGTTGGTGGGGCCACCCAGGCTGGCGCCTCTCCCAAC[C>A]CCAACGCACCGAAGAGTCAGCATCCTCAGACCGCAGGTGGTCGGCAATGTAGTGCACACC-3'